The following is an entry in ClinVar:

NM_018206.6(VPS35):c.1246T>C (p.Leu416=)

Gene: VPS35 (VPS35 retromer complex component; minus strand). Cytogenetic location: 16q11.2.
Variant type: single nucleotide variant.
Coding change: c.1246T>C on transcript NM_018206.6 (MANE Select); coding-DNA position 1246, T replaced by C.
Protein change: p.Leu416=; no amino-acid change (leucine 416 retained).
Molecular consequence: synonymous variant.
Genome position (GRCh38, 1-based): chr16:46,672,387, A>G on the plus strand (T>C on the coding strand, the complement: VPS35 is on the minus strand). VCF-style: chr16-46672387-A-G. GRCh37 (hg19) VCF-style: chr16-46706299-A-G.
Other names: p.Leu416=.
Identifiers: ClinVar variation 4684094 (VCV004684094.1).

ClinVar aggregate classification (germline): Likely benign (1 of 4 stars; one submission).

Submission:

Mayo Clinic Laboratories, Mayo Clinic
Classification: Likely benign. Last evaluated: 2025-07-08. Review status: criteria provided, single submitter. Criteria: ACMG Guidelines, 2015. Collection method: clinical testing. Allele origin: germline. Observed: 1 variant allele.
Comment: BP4, BP7